The following is an entry in ClinVar:

NM_000147.5(FUCA1):c.89G>C (p.Arg30Pro)

Gene: FUCA1 (alpha-L-fucosidase 1; minus strand). Cytogenetic location: 1p36.11.
Variant type: single nucleotide variant.
Coding change: c.89G>C on transcript NM_000147.5 (MANE Select); coding-DNA position 89, G replaced by C.
Protein change: p.Arg30Pro; replaces arginine 30 with proline.
Molecular consequence: missense variant. On other transcripts: non-coding transcript variant (4).
Genome position (GRCh38, 1-based): chr1:23,868,198, C>G on the plus strand (G>C on the coding strand, the complement: FUCA1 is on the minus strand). VCF-style: chr1-23868198-C-G. GRCh37 (hg19) VCF-style: chr1-24194688-C-G.
Other names: short protein forms R30P.
Identifiers: ClinVar variation 2047900 (VCV002047900.3), dbSNP rs1639666007, ClinGen allele CA339010628.

ClinVar aggregate classification (germline): Uncertain significance (1 of 4 stars; one submission).

Conditions:
Fucosidosis. Also called: ALPHA-L-FUCOSIDASE DEFICIENCY. Identifiers: Orphanet 349, MedGen C0016788, MONDO:0009254, OMIM 230000.

Submission:

Labcorp Genetics (formerly Invitae), Labcorp
Classification: Uncertain significance for Fucosidosis. Last evaluated: 2025-10-01. Review status: criteria provided, single submitter. Criteria: Invitae Variant Classification Sherloc (09022015). Collection method: clinical testing. Allele origin: germline.
Comment: This sequence change replaces arginine, which is basic and polar, with proline, which is neutral and non-polar, at codon 30 of the FUCA1 protein (p.Arg30Pro). This variant is not present in population databases (gnomAD no frequency). This variant has not been reported in the literature in individuals affected with FUCA1-related conditions. ClinVar contains an entry for this variant (Variation ID: 2047900). Invitae Evidence Modeling of protein sequence and biophysical properties (such as structural, functional, and spatial information, amino acid conservation, physicochemical variation, residue mobility, and thermodynamic stability) indicates that this missense variant is not expected to disrupt FUCA1 protein function with a negative predictive value of 95%. In summary, the available evidence is currently insufficient to determine the role of this variant in disease. Therefore, it has been classified as a Variant of Uncertain Significance.